The following is an entry in ClinVar:

NM_000245.4(MET):c.2264+89C>T

Gene: MET (MET proto-oncogene, receptor tyrosine kinase; plus strand). Cytogenetic location: 7q31.2.
Variant type: single nucleotide variant.
Coding change: c.2264+89C>T on transcript NM_000245.4 (MANE Select); 89 bases into the intron after coding-DNA position 2264, C replaced by T.
Molecular consequence: intron variant.
Genome position (GRCh38, 1-based): chr7:116,758,709, C>T. VCF-style: chr7-116758709-C-T. GRCh37 (hg19) VCF-style: chr7-116398763-C-T.
Other names: c.2264+89C>T (NM_001127500.3, NM_001324401.3); c.974+89C>T (NM_001324402.2).
Identifiers: ClinVar variation 677720 (VCV000677720.2), dbSNP rs17138978, ClinGen allele CA164894484.

ClinVar aggregate classification (germline): Benign. Review status: criteria provided, multiple submitters, no conflicts (2 of 4 stars). 2 submissions from 2 submitters: Benign (2). Last evaluated 2018-06-18.

Allele frequency attached by ClinVar (database versions not stated): gnomAD exomes 0.03510; gnomAD 0.05671 and 0.05826; TOPMed 0.05884; 1000 Genomes Project 30x 0.09041; 1000 Genomes Project 0.09046.
gnomAD v4.1: 50,264 of 1,326,012 alleles (3.8%); highest among the groups gnomAD compares: East Asian, 10%; 1,641 homozygotes.

Submissions (2):

GeneDx
Classification: Benign. Last evaluated: 2018-06-18. Review status: criteria provided, single submitter. Criteria: GeneDx Variant Classification (06012015). Collection method: clinical testing. Allele origin: germline. Affected: yes.
Comment: This variant is considered likely benign or benign based on one or more of the following criteria: it is a conservative change, it occurs at a poorly conserved position in the protein, it is predicted to be benign by multiple in silico algorithms, and/or has population frequency not consistent with disease.

Breakthrough Genomics
Classification: Benign. Review status: criteria provided, single submitter. Criteria: ACMG Guidelines, 2015. Collection method: not provided. Allele origin: germline. Inheritance: Autosomal recessive inheritance. Affected: yes.